The following is an entry in ClinVar:

ClinVar aggregate classification (germline): Pathogenic (1 of 4 stars; one submission).

Submission:

GeneDx
Classification: Pathogenic. Last evaluated: 2024-09-11. Review status: criteria provided, single submitter. Criteria: GeneDx Variant Classification Process June 2021. Collection method: clinical testing. Allele origin: germline. Affected: yes.
Comment: Nonsense variant predicted to result in protein truncation or nonsense mediated decay in a gene for which loss of function is a known mechanism of disease; Not observed at significant frequency in large population cohorts (gnomAD); This variant is associated with the following publications: (PMID: 25525159, 29529603, 17582161)

NM_001009944.3(PKD1):c.1051C>T (p.Gln351Ter)

Gene: PKD1 (polycystin 1, transient receptor potential channel interacting; minus strand). Cytogenetic location: 16p13.3.
Variant type: single nucleotide variant.
Coding change: c.1051C>T on transcript NM_001009944.3 (MANE Select); coding-DNA position 1051, C replaced by T.
Protein change: p.Gln351Ter; replaces glutamine 351 with a stop codon.
Molecular consequence: nonsense.
Genome position (GRCh38, 1-based): chr16:2,117,941, G>A on the plus strand (C>T on the coding strand, the complement: PKD1 is on the minus strand). VCF-style: chr16-2117941-G-A. GRCh37 (hg19) VCF-style: chr16-2167942-G-A.
Other names: c.1051C>T, p.Gln351Ter (NM_000296.4); short protein forms Q351*.
Identifiers: ClinVar variation 3770105 (VCV003770105.1).
Genomic context (GRCh38, chr16:2,117,941, plus strand): 5'-CGTCACTCTGCACCGAGGACGGGCACACGAGCTCCAGGGCGGCAGGTGCCGCTTCCACCT[G>A]CACGTCTGTCCCCAGCAGGGCTGAGCCGGCCCCCAGGGCCAGCACGGCCGTCACGTGATA-3'